The following is an entry in ClinVar:

NM_003482.4(KMT2D):c.4852C>T (p.Leu1618Phe)

Gene: KMT2D (lysine methyltransferase 2D; minus strand). Cytogenetic location: 12q13.12.
Variant type: single nucleotide variant.
Coding change: c.4852C>T on transcript NM_003482.4 (MANE Select); coding-DNA position 4852, C replaced by T.
Protein change: p.Leu1618Phe; replaces leucine 1618 with phenylalanine.
Molecular consequence: missense variant.
Genome position (GRCh38, 1-based): chr12:49,044,855, G>A on the plus strand (C>T on the coding strand, the complement: KMT2D is on the minus strand). VCF-style: chr12-49044855-G-A. GRCh37 (hg19) VCF-style: chr12-49438638-G-A.
Other names: short protein forms L1618F.
Identifiers: ClinVar variation 4976014 (VCV004976014.1).
Genomic context (GRCh38, chr12:49,044,855, plus strand): 5'-CAGGGCCAAGGGCATCTGAGGGCTCAGAACCCTCCAATCCTGCCTCGCCTGGGAGGCCAA[G>A]CCGTCCTCGCCGTTGGCGCCGCTTGTGCAGTGGTGACATGGTCAGGTTACGCAGCAAGGC-3'
Protein context (NP_003473.3, residues 1608-1628): LHKRRQRRGR[Leu1618Phe]GLPGEAGLEG

ClinVar aggregate classification (germline): Uncertain significance (1 of 4 stars; one submission).

Submission:

GeneDx
Classification: Uncertain significance. Last evaluated: 2026-02-11. Review status: criteria provided, single submitter. Criteria: GeneDx Variant Classification Process June 2021. Collection method: clinical testing. Allele origin: germline.
Comment: In silico analysis supports that this missense variant has a deleterious effect on protein structure/function; Has not been previously published as pathogenic or benign to our knowledge